The following is an entry in ClinVar:

ClinVar aggregate classification (germline): Pathogenic/Likely pathogenic. Review status: criteria provided, multiple submitters, no conflicts (2 of 4 stars). 2 submissions from 2 submitters: Pathogenic (1); Likely pathogenic (1). Last evaluated 2024-03-14.

Conditions:
Immunodeficiency 23 (IMD23). Also called: IMMUNODEFICIENCY WITH HYPER IgE AND COGNITIVE IMPAIRMENT; IMMUNODEFICIENCY-VASCULITIS-MYOCLONUS SYNDROME. Identifiers: Orphanet 443811, MedGen C4014371, MONDO:0014353, OMIM 615816.

gnomAD v4.1: 1 of 1,614,070 alleles (0.000062%); highest among the groups gnomAD compares: Non-Finnish European, 0.000085%; no homozygotes.

Submissions (2):

Labcorp Genetics (formerly Invitae), Labcorp
Classification: Pathogenic for Immunodeficiency 23. Last evaluated: 2024-03-14. Review status: criteria provided, single submitter. Criteria: Invitae Variant Classification Sherloc (09022015). Collection method: clinical testing. Allele origin: germline.
Comment: This sequence change creates a premature translational stop signal (p.Gln50*) in the PGM3 gene. It is expected to result in an absent or disrupted protein product. Loss-of-function variants in PGM3 are known to be pathogenic (PMID: 17548465, 24589341, 24931394). This variant is not present in population databases (gnomAD no frequency). This variant has not been reported in the literature in individuals affected with PGM3-related conditions. Algorithms developed to predict the effect of sequence changes on RNA splicing suggest that this variant may disrupt the consensus splice site. For these reasons, this variant has been classified as Pathogenic.

Fulgent Genetics
Classification: Likely pathogenic for Immunodeficiency 23. Last evaluated: 2024-02-26. Review status: criteria provided, single submitter. Criteria: ACMG Guidelines, 2015. Collection method: clinical testing. Allele origin: germline.

Literature cited by the submitters: PubMed 17548465 (cited by Labcorp Genetics (formerly Invitae), Labcorp); PubMed 24589341 (cited by Labcorp Genetics (formerly Invitae), Labcorp); PubMed 24931394 (cited by Labcorp Genetics (formerly Invitae), Labcorp).

NM_015599.3(PGM3):c.64C>T (p.Gln22Ter)

Gene: PGM3 (phosphoglucomutase 3; minus strand). Cytogenetic location: 6q14.1.
Variant type: single nucleotide variant.
Coding change: c.64C>T on transcript NM_015599.3 (MANE Select); coding-DNA position 64, C replaced by T.
Protein change: p.Gln22Ter; replaces glutamine 22 with a stop codon.
Molecular consequence: nonsense. On other transcripts: non-coding transcript variant (1), intron variant (1).
Genome position (GRCh38, 1-based): chr6:83,190,949, G>A on the plus strand (C>T on the coding strand, the complement: PGM3 is on the minus strand). VCF-style: chr6-83190949-G-A. GRCh37 (hg19) VCF-style: chr6-83900668-G-A.
Other names: c.148C>T, p.Gln50Ter (NM_001199917.2, NM_001367287.1); c.64C>T, p.Gln22Ter (NM_001199919.2, NM_001367286.1); c.-39-2151C>T (NM_001199918.2); short protein forms Q22*, Q50*.
Identifiers: ClinVar variation 2880554 (VCV002880554.4), dbSNP rs2538235439, ClinGen allele CA364853998.
Genomic context (GRCh38, chr6:83,190,949, plus strand): 5'-TGCGAAACATGACATGATCAAGATGTTCTGCCTTCGTTCGAAATCCAGCAGTCCCGTATT[G>A]AAGGATCAGTCCATTGGGCTTGGCGTGTAATGCTGAGTATTTTGTAATAGCACCTAAATC-3'